The following is an entry in ClinVar:

NM_016222.4(DDX41):c.1046T>A (p.Met349Lys)

Gene: DDX41 (DEAD-box helicase 41; minus strand). Cytogenetic location: 5q35.3.
Variant type: single nucleotide variant.
Coding change: c.1046T>A on transcript NM_016222.4 (MANE Select); coding-DNA position 1046, T replaced by A.
Protein change: p.Met349Lys; replaces methionine 349 with lysine.
Molecular consequence: missense variant.
Genome position (GRCh38, 1-based): chr5:177,513,737, A>T on the plus strand (T>A on the coding strand, the complement: DDX41 is on the minus strand). VCF-style: chr5-177513737-A-T. GRCh37 (hg19) VCF-style: chr5-176940738-A-T.
Other names: c.668T>A, p.Met223Lys (NM_001321732.2, NM_001321830.2); short protein forms M223K, M349K.
Identifiers: ClinVar variation 2136150 (VCV002136150.6), dbSNP rs775327364, ClinGen allele CA3584920.

ClinVar aggregate classification (germline): Conflicting classifications of pathogenicity. Review status: criteria provided, conflicting classifications (1 of 4 stars). 3 submissions from 3 submitters: Likely pathogenic (1); Uncertain significance (2). Last evaluated 2025-12-01.

Conditions:
Inborn genetic diseases. Identifiers: MedGen C0950123, MeSH D030342.

Allele frequency attached by ClinVar (database versions not stated): gnomAD 0.00001; TOPMed 0.00001; gnomAD exomes below 0.00001; ExAC 0.00001.
gnomAD v4.1: 5 of 1,613,740 alleles (0.00031%); highest among the groups gnomAD compares: Non-Finnish European, 0.00042%; no homozygotes.

Submissions (3):

Labcorp Genetics (formerly Invitae), Labcorp
Classification: Uncertain significance. Last evaluated: 2025-12-01. Review status: criteria provided, single submitter. Criteria: Invitae Variant Classification Sherloc (09022015). Collection method: clinical testing. Allele origin: germline.
Comment: This sequence change replaces methionine, which is neutral and non-polar, with lysine, which is basic and polar, at codon 349 of the DDX41 protein (p.Met349Lys). This variant is present in population databases (rs775327364, gnomAD 0.0009%). This missense change has been observed in individual(s) with clinical features of DDX41-related conditions (PMID: 30963592, 35671390, 37154083). ClinVar contains an entry for this variant (Variation ID: 2136150). An algorithm developed to predict the effect of missense changes on protein structure and function (PolyPhen-2) suggests that this variant is likely to be tolerated. In summary, the available evidence is currently insufficient to determine the role of this variant in disease. Therefore, it has been classified as a Variant of Uncertain Significance.

Ambry Genetics
Classification: Uncertain significance for Inborn genetic diseases. Last evaluated: 2025-03-26. Review status: criteria provided, single submitter. Criteria: Ambry Variant Classification Scheme 2023. Collection method: clinical testing. Allele origin: germline.
Comment: The p.M349K variant (also known as c.1046T>A), located in coding exon 10 of the DDX41 gene, results from a T to A substitution at nucleotide position 1046. The methionine at codon 349 is replaced by lysine, an amino acid with similar properties. This amino acid position is highly conserved in available vertebrate species. In addition, this alteration is predicted to be deleterious by in silico analysis. Based on the available evidence, the clinical significance of this variant remains unclear.

GeneDx
Classification: Likely pathogenic. Last evaluated: 2024-07-15. Review status: criteria provided, single submitter. Criteria: GeneDx Variant Classification Process June 2021. Collection method: clinical testing. Allele origin: germline. Affected: yes.
Comment: Not observed at significant frequency in large population cohorts (gnomAD); In silico analysis supports that this missense variant has a deleterious effect on protein structure/function; This variant is associated with the following publications: (PMID: 37506341, 37154083, 35671390, 30963592, 27721487, 36672294)

Literature cited by the submitters: PubMed 30963592 (cited by Labcorp Genetics (formerly Invitae), Labcorp); PubMed 35671390 (cited by Labcorp Genetics (formerly Invitae), Labcorp); PubMed 37154083 (cited by Labcorp Genetics (formerly Invitae), Labcorp).